The following is an entry in ClinVar:

ClinVar aggregate classification (germline): Uncertain significance. Review status: criteria provided, multiple submitters, no conflicts (2 of 4 stars). 2 submissions from 2 submitters: Uncertain significance (2). Last evaluated 2025-10-21.

gnomAD v4.1: 21 of 1,613,906 alleles (0.0013%); highest among the groups gnomAD compares: Non-Finnish European, 0.0018%; no homozygotes.

Submissions (2):

Labcorp Genetics (formerly Invitae), Labcorp
Classification: Uncertain significance. Last evaluated: 2025-10-21. Review status: criteria provided, single submitter. Criteria: Invitae Variant Classification Sherloc (09022015). Collection method: clinical testing. Allele origin: germline.
Comment: This sequence change replaces proline, which is neutral and non-polar, with arginine, which is basic and polar, at codon 495 of the NPAT protein (p.Pro495Arg). This variant is present in population databases (rs533844844, gnomAD 0.004%). This variant has not been reported in the literature in individuals affected with NPAT-related conditions. ClinVar contains an entry for this variant (Variation ID: 1773635). An algorithm developed to predict the effect of missense changes on protein structure and function (PolyPhen-2) suggests that this variant is likely to be tolerated. In summary, the available evidence is currently insufficient to determine the role of this variant in disease. Therefore, it has been classified as a Variant of Uncertain Significance.

Ambry Genetics
Classification: Uncertain significance. Last evaluated: 2024-05-02. Review status: criteria provided, single submitter. Criteria: Ambry Variant Classification Scheme 2023. Collection method: clinical testing. Allele origin: germline.
Comment: The p.P495R variant (also known as c.1484C>G), located in coding exon 13 of the NPAT gene, results from a C to G substitution at nucleotide position 1484. The proline at codon 495 is replaced by arginine, an amino acid with dissimilar properties. This amino acid position is conserved. In addition, this alteration is predicted to be tolerated by in silico analysis. Since supporting evidence is limited at this time, the clinical significance of this alteration remains unclear.

NM_002519.3(NPAT):c.1484C>G (p.Pro495Arg)

Gene: NPAT (nuclear protein, coactivator of histone transcription; minus strand). Cytogenetic location: 11q22.3.
Variant type: single nucleotide variant.
Coding change: c.1484C>G on transcript NM_002519.3 (MANE Select); coding-DNA position 1484, C replaced by G.
Protein change: p.Pro495Arg; replaces proline 495 with arginine.
Molecular consequence: missense variant.
Genome position (GRCh38, 1-based): chr11:108,173,500, G>C on the plus strand (C>G on the coding strand, the complement: NPAT is on the minus strand). VCF-style: chr11-108173500-G-C. GRCh37 (hg19) VCF-style: chr11-108044227-G-C.
Other names: c.1484C>G, p.Pro495Arg (NM_001321307.1); short protein forms P495R.
Identifiers: ClinVar variation 1773635 (VCV001773635.5), dbSNP rs533844844, ClinGen allele CA6263986.